The following is an entry in ClinVar:

ClinVar aggregate classification (germline): Uncertain significance (1 of 4 stars; one submission).

Conditions:
Symmetrical dyschromatosis of extremities (DSH). Also called: RETICULATE ACROPIGMENTATION OF DOHI; DYSCHROMATOSIS SYMMETRICA HEREDITARIA 1; SYMMETRIC DYSCHROMATOSIS OF THE EXTREMITIES; Dyschromatosis symmetrica hereditaria. Identifiers: Orphanet 41, MedGen C0406775, MONDO:0007483, OMIM 127400.
Aicardi-Goutieres syndrome 6 (AGS6). Identifiers: Orphanet 51, MedGen C3539013, MONDO:0014007, OMIM 615010.

Allele frequency attached by ClinVar (database versions not stated): gnomAD exomes below 0.00001; ExAC 0.00001.

Submission:

Labcorp Genetics (formerly Invitae), Labcorp
Classification: Uncertain significance for Aicardi-Goutieres syndrome 6; Symmetrical dyschromatosis of extremities. Last evaluated: 2023-10-20. Review status: criteria provided, single submitter. Criteria: Invitae Variant Classification Sherloc (09022015). Collection method: clinical testing. Allele origin: germline.
Comment: This sequence change replaces proline, which is neutral and non-polar, with serine, which is neutral and polar, at codon 69 of the ADAR protein (p.Pro69Ser). This variant is present in population databases (rs762488180, gnomAD 0.0009%). This variant has not been reported in the literature in individuals affected with ADAR-related conditions. Algorithms developed to predict the effect of missense changes on protein structure and function output the following: SIFT: "Not Available"; PolyPhen-2: "Benign"; Align-GVGD: "Not Available". The serine amino acid residue is found in multiple mammalian species, which suggests that this missense change does not adversely affect protein function. In summary, the available evidence is currently insufficient to determine the role of this variant in disease. Therefore, it has been classified as a Variant of Uncertain Significance.

NM_001111.5(ADAR):c.205C>T (p.Pro69Ser)

Gene: ADAR (adenosine deaminase RNA specific; minus strand). Cytogenetic location: 1q21.3.
Variant type: single nucleotide variant.
Coding change: c.205C>T on transcript NM_001111.5 (MANE Select); coding-DNA position 205, C replaced by T.
Protein change: p.Pro69Ser; replaces proline 69 with serine.
Molecular consequence: missense variant. On other transcripts: 5 prime UTR variant (6).
Genome position (GRCh38, 1-based): chr1:154,602,437, G>A on the plus strand (C>T on the coding strand, the complement: ADAR is on the minus strand). VCF-style: chr1-154602437-G-A. GRCh37 (hg19) VCF-style: chr1-154574913-G-A.
Other names: c.-681C>T (NM_001025107.3, NM_001193495.2, NM_001365048.1); c.232C>T, p.Pro78Ser (NM_001365045.1); c.-545C>T (NM_001365046.1, NM_001365047.1, NM_001365049.1); c.205C>T, p.Pro69Ser (NM_015840.4, NM_015841.4); short protein forms P69S, P78S.
Identifiers: ClinVar variation 2952834 (VCV002952834.3), dbSNP rs762488180, ClinGen allele CA1131744.